The following is an entry in ClinVar:

ClinVar aggregate classification (germline): Conflicting classifications of pathogenicity. Review status: criteria provided, conflicting classifications (1 of 4 stars). 2 submissions from 2 submitters: Uncertain significance (1); Likely benign (1). Last evaluated 2025-10-20.

Conditions:
WNK1-related disorder. Also called: WNK1-related condition.
Pseudohypoaldosteronism type 2C (PHA2C). Also called: Pseudohypoaldosteronism Type IIC. Identifiers: Orphanet 757, Orphanet 88940, MedGen C1840391, MONDO:0013778, OMIM 614492.
Neuropathy, hereditary sensory and autonomic, type 2A (HSAN2A). Also called: MORVAN DISEASE; NEUROPATHY, CONGENITAL SENSORY; NEUROPATHY, HEREDITARY SENSORY RADICULAR, AUTOSOMAL RECESSIVE; NEUROPATHY, HEREDITARY SENSORY, TYPE IIA; NEUROPATHY, PROGRESSIVE SENSORY, OF CHILDREN; WNK1-Related HSAN2 (HSAN2A). Identifiers: Orphanet 970, MedGen C2752089, MONDO:0024309, OMIM 201300.

Allele frequency attached by ClinVar (database versions not stated): gnomAD exomes 0.00004; ExAC 0.00008; TOPMed 0.00008; gnomAD 0.00009.
gnomAD v4.1: 66 of 1,535,850 alleles (0.0043%); highest among the groups gnomAD compares: African/African-American, 0.023%; no homozygotes.

Submissions (2):

Labcorp Genetics (formerly Invitae), Labcorp
Classification: Uncertain significance for Neuropathy, hereditary sensory and autonomic, type 2A; Pseudohypoaldosteronism type 2C. Last evaluated: 2025-10-20. Review status: criteria provided, single submitter. Criteria: Invitae Variant Classification Sherloc (09022015). Collection method: clinical testing. Allele origin: germline.
Comment: This sequence change replaces glutamic acid, which is acidic and polar, with lysine, which is basic and polar, at codon 766 of the WNK1 protein (p.Glu766Lys). This variant is present in population databases (rs780003659, gnomAD 0.005%). This variant has not been reported in the literature in individuals affected with WNK1-related conditions. ClinVar contains an entry for this variant (Variation ID: 999805). Invitae Evidence Modeling of protein sequence and biophysical properties (such as structural, functional, and spatial information, amino acid conservation, physicochemical variation, residue mobility, and thermodynamic stability) indicates that this missense variant is not expected to disrupt WNK1 protein function with a negative predictive value of 95%. In summary, the available evidence is currently insufficient to determine the role of this variant in disease. Therefore, it has been classified as a Variant of Uncertain Significance.

PreventionGenetics, part of Exact Sciences
Classification: Likely benign for WNK1-related condition. Last evaluated: 2025-09-11. Review status: criteria provided, single submitter. Criteria: ACMG Guidelines, 2015. Collection method: clinical testing. Allele origin: germline.
Comment: This variant is classified as likely benign based on ACMG/AMP sequence variant interpretation guidelines (Richards et al. 2015 PMID: 25741868, with internal and published modifications).

NM_213655.5(WNK1):c.2296G>A (p.Glu766Lys)

Gene: WNK1 (WNK lysine deficient protein kinase 1; plus strand). Cytogenetic location: 12p13.33.
Variant type: single nucleotide variant.
Coding change: c.2296G>A on transcript NM_213655.5 (MANE Plus Clinical); coding-DNA position 2296, G replaced by A.
Protein change: p.Glu766Lys; replaces glutamic acid 766 with lysine.
Molecular consequence: missense variant. On other transcripts: intron variant (3).
Genome position (GRCh38, 1-based): chr12:865,266, G>A. VCF-style: chr12-865266-G-A. GRCh37 (hg19) VCF-style: chr12-974432-G-A.
Other names: c.2140-2600G>A (NM_001184985.2); c.2139+2996G>A (NM_018979.4, NM_014823.3); c.2296G>A (NM_213655.4); short protein forms E766K.
Identifiers: ClinVar variation 999805 (VCV000999805.9), dbSNP rs780003659, ClinGen allele CA6382141.
Genomic context (GRCh38, chr12:865,266, plus strand): 5'-AGTACTGTCTGCACCTCTTTCTCCTTCCCTCCTCCGGACTGCCCCGAGGAAACTTTTGCC[G>A]AAAAGCTTTCTAAAGCATTGGAGAGTGTCCTGCCTATGCACTCTGCCTCTCAGCGCAAGC-3'
Protein context (NP_998820.3, residues 756-776): PPDCPEETFA[Glu766Lys]KLSKALESVL